The following is an entry in ClinVar:

ClinVar aggregate classification (germline): Uncertain significance (1 of 4 stars; one submission).

Allele frequency attached by ClinVar (database versions not stated): gnomAD exomes below 0.00001.
gnomAD v4.1: 2 of 1,614,120 alleles (0.00012%); highest among the groups gnomAD compares: Admixed American, 0.0033%; no homozygotes.

Submission:

Labcorp Genetics (formerly Invitae), Labcorp
Classification: Uncertain significance. Last evaluated: 2022-02-20. Review status: criteria provided, single submitter. Criteria: Invitae Variant Classification Sherloc (09022015). Collection method: clinical testing. Allele origin: germline.
Comment: In summary, the available evidence is currently insufficient to determine the role of this variant in disease. Therefore, it has been classified as a Variant of Uncertain Significance. Advanced modeling of protein sequence and biophysical properties (such as structural, functional, and spatial information, amino acid conservation, physicochemical variation, residue mobility, and thermodynamic stability) performed at Invitae indicates that this missense variant is not expected to disrupt DARS2 protein function. This variant has not been reported in the literature in individuals affected with DARS2-related conditions. This variant is present in population databases (no rsID available, gnomAD 0.006%). This sequence change replaces valine, which is neutral and non-polar, with isoleucine, which is neutral and non-polar, at codon 621 of the DARS2 protein (p.Val621Ile).

NM_018122.5(DARS2):c.1861G>A (p.Val621Ile)

Gene: DARS2 (aspartyl-tRNA synthetase 2, mitochondrial; plus strand). Cytogenetic location: 1q25.1.
Variant type: single nucleotide variant.
Coding change: c.1861G>A on transcript NM_018122.5 (MANE Select); coding-DNA position 1861, G replaced by A.
Protein change: p.Val621Ile; replaces valine 621 with isoleucine.
Molecular consequence: missense variant.
Genome position (GRCh38, 1-based): chr1:173,857,628, G>A. VCF-style: chr1-173857628-G-A. GRCh37 (hg19) VCF-style: chr1-173826766-G-A.
Other names: c.1708G>A, p.Val570Ile (NM_001365212.1); short protein forms V621I, V570I.
Identifiers: ClinVar variation 2100424 (VCV002100424.4), dbSNP rs1188587847, ClinGen allele CA343767783.
Genomic context (GRCh38, chr1:173,857,628, plus strand): 5'-GTCATAGCCTTCCCAAAGTCCTTCCGGGGACATGACCTCATGAGCAATACCCCAGATTCT[G>A]TCCCTCCTGAGGAACTGAAGCCCTATCATATCCGAGTCTCCAAGCCAACAGACTCCAAAG-3'
Protein context (NP_060592.2, residues 611-631): HDLMSNTPDS[Val621Ile]PPEELKPYHI